The following is an entry in ClinVar:

NM_001135022.2(ELMOD3):c.943+152C>G

Gene: ELMOD3 (ELMO domain containing 3; plus strand). Cytogenetic location: 2p11.2.
Variant type: single nucleotide variant.
Coding change: c.943+152C>G on transcript NM_001135022.2 (MANE Select); 152 bases into the intron after coding-DNA position 943, C replaced by G.
Molecular consequence: intron variant.
Genome position (GRCh38, 1-based): chr2:85,390,417, C>G. VCF-style: chr2-85390417-C-G. GRCh37 (hg19) VCF-style: chr2-85617540-C-G.
Other names: c.943+152C>G (NM_001329791.2, NM_001135021.2, NM_001135023.2 and 2 more transcripts).
Identifiers: ClinVar variation 509121 (VCV000509121.3), dbSNP rs73945728, ClinGen allele CA1740571.

ClinVar aggregate classification (germline): Benign. Review status: criteria provided, multiple submitters, no conflicts (2 of 4 stars). 3 submissions from 3 submitters: Benign (3). Last evaluated 2019-03-22.

Allele frequency attached by ClinVar (database versions not stated): TOPMed 0.02456; ESP Exome Variant Server 0.02537; 1000 Genomes Project 0.03095; 1000 Genomes Project 30x 0.03186.
gnomAD v4.1: 6,765 of 1,614,158 alleles (0.42%); highest among the groups gnomAD compares: African/African-American, 7.5%; 211 homozygotes.

Submissions (3):

Athena Diagnostics
Classification: Benign. Last evaluated: 2019-03-22. Review status: criteria provided, single submitter. Criteria: Athena Diagnostics Criteria. Collection method: clinical testing. Allele origin: germline.

GeneDx
Classification: Benign. Last evaluated: 2017-10-09. Review status: criteria provided, single submitter. Criteria: GeneDx Variant Classification (06012015). Collection method: clinical testing. Allele origin: germline. Affected: yes.
Comment: This variant is considered likely benign or benign based on one or more of the following criteria: it is a conservative change, it occurs at a poorly conserved position in the protein, it is predicted to be benign by multiple in silico algorithms, and/or has population frequency not consistent with disease.

Breakthrough Genomics
Classification: Benign. Review status: criteria provided, single submitter. Criteria: ACMG Guidelines, 2015. Collection method: not provided. Allele origin: germline. Inheritance: Autosomal recessive inheritance. Affected: yes.